The following is an entry in ClinVar:

NM_001329943.3(KIAA0586):c.2353C>T (p.Arg785Ter)

Gene: KIAA0586 (KIAA0586; plus strand). Cytogenetic location: 14q23.1.
Variant type: single nucleotide variant.
Coding change: c.2353C>T on transcript NM_001329943.3 (MANE Select); coding-DNA position 2353, C replaced by T.
Protein change: p.Arg785Ter; replaces arginine 785 with a stop codon.
Molecular consequence: nonsense.
Genome position (GRCh38, 1-based): chr14:58,467,833, C>T. VCF-style: chr14-58467833-C-T. GRCh37 (hg19) VCF-style: chr14-58934551-C-T.
Other names: c.2512C>T, p.Arg838Ter (NM_001244189.2); c.2308C>T, p.Arg770Ter (NM_001244190.2); c.2098C>T, p.Arg700Ter (NM_001244191.2, NM_001329945.2, NM_001364700.1 and 1 more transcripts); c.2221C>T, p.Arg741Ter (NM_001244192.2); c.1933C>T, p.Arg645Ter (NM_001244193.2); c.2353C>T, p.Arg785Ter (NM_001329944.2, NM_001329946.2, NM_001329947.2); c.2125C>T, p.Arg709Ter (NM_014749.5); short protein forms R709*, R838*, R770*, R700*, R785*, R645*, R741*.
Identifiers: ClinVar variation 418265 (VCV000418265.14), dbSNP rs1064793157, ClinGen allele CA16619879.
Genomic context (GRCh38, chr14:58,467,833, plus strand): 5'-GGAGTGATTGTCAGCAAGCCACACCCTGTAACTGTGACTACTTCTATTCCTCCATCATCT[C>T]GAAAAGTAGAAACTGGAGTAAAGAAACCTAACATAGCCATTGTAGAAATGAAGTCAGAAA-3'

ClinVar aggregate classification (germline): Pathogenic. Review status: criteria provided, multiple submitters, no conflicts (2 of 4 stars). 2 submissions from 2 submitters: Pathogenic (2). Last evaluated 2025-06-01.

Conditions:
Joubert syndrome 23 (JBTS23). Identifiers: Orphanet 475, MedGen C4084822, MONDO:0014664, OMIM 616490.
Short-rib thoracic dysplasia 14 with polydactyly (SRTD14). Identifiers: Orphanet 397715, MedGen C4225286, MONDO:0014688, OMIM 616546.

Allele frequency attached by ClinVar (database versions not stated): gnomAD 0.00002; gnomAD exomes 0.00002; TOPMed 0.00002.
gnomAD v4.1: 29 of 1,613,096 alleles (0.0018%); highest among the groups gnomAD compares: Admixed American, 0.0033%; no homozygotes.

Submissions (2):

Labcorp Genetics (formerly Invitae), Labcorp
Classification: Pathogenic for Joubert syndrome 23; Short-rib thoracic dysplasia 14 with polydactyly. Last evaluated: 2025-06-01. Review status: criteria provided, single submitter. Criteria: Invitae Variant Classification Sherloc (09022015). Collection method: clinical testing. Allele origin: germline.
Comment: This sequence change creates a premature translational stop signal (p.Arg838*) in the KIAA0586 gene. It is expected to result in an absent or disrupted protein product. Loss-of-function variants in KIAA0586 are known to be pathogenic (PMID: 26096313, 26166481, 26386044). This variant is present in population databases (no rsID available, gnomAD 0.06%). This premature translational stop signal has been observed in individual(s) with Joubert syndrome (PMID: 26386247). In at least one individual the data is consistent with being in trans (on the opposite chromosome) from a pathogenic variant. ClinVar contains an entry for this variant (Variation ID: 418265). For these reasons, this variant has been classified as Pathogenic.

GeneDx
Classification: Pathogenic. Last evaluated: 2023-10-30. Review status: criteria provided, single submitter. Criteria: GeneDx Variant Classification Process June 2021. Collection method: clinical testing. Allele origin: germline. Affected: yes.
Comment: Nonsense variant predicted to result in protein truncation or nonsense mediated decay in a gene for which loss-of-function is a known mechanism of disease; Not observed at significant frequency in large population cohorts (gnomAD); This variant is associated with the following publications: (PMID: 26386247, 30258116)

Literature cited by the submitters: PubMed 26096313 (cited by Labcorp Genetics (formerly Invitae), Labcorp); PubMed 26166481 (cited by Labcorp Genetics (formerly Invitae), Labcorp); PubMed 26386044 (cited by Labcorp Genetics (formerly Invitae), Labcorp); PubMed 26386247 (cited by Labcorp Genetics (formerly Invitae), Labcorp).